The following is an entry in ClinVar:

NM_024422.6(DSC2):c.1672A>G (p.Thr558Ala)

Gene: DSC2 (desmocollin 2; minus strand). Cytogenetic location: 18q12.1.
Variant type: single nucleotide variant.
Coding change: c.1672A>G on transcript NM_024422.6 (MANE Select); coding-DNA position 1672, A replaced by G.
Protein change: p.Thr558Ala; replaces threonine 558 with alanine.
Molecular consequence: missense variant.
Genome position (GRCh38, 1-based): chr18:31,074,899, T>C on the plus strand (A>G on the coding strand, the complement: DSC2 is on the minus strand). VCF-style: chr18-31074899-T-C. GRCh37 (hg19) VCF-style: chr18-28654865-T-C.
Other names: p.Thr558Ala; c.1243A>G, p.Thr415Ala (NM_001406506.1, NM_001406507.1); c.1672A>G, p.Thr558Ala (NM_004949.5); short protein forms T415A, T558A.
Identifiers: ClinVar variation 3380544 (VCV003380544.3).

ClinVar aggregate classification (germline): Uncertain significance. Review status: criteria provided, multiple submitters, no conflicts (2 of 4 stars). 2 submissions from 2 submitters: Uncertain significance (2). Last evaluated 2024-10-04.

Conditions:
Arrhythmogenic right ventricular dysplasia 11. Also called: ARRHYTHMOGENIC RIGHT VENTRICULAR DYSPLASIA, FAMILIAL, 11; Arrhythmogenic Right Ventricular Dysplasia/Cardiomyopathy11; Arrhythmogenic right ventricular dysplasia 11 with mild palmoplantar keratoderma and woolly hair. Identifiers: MedGen C1864850, MONDO:0012506, OMIM 610476.

Submissions (2):

Labcorp Genetics (formerly Invitae), Labcorp
Classification: Uncertain significance for Arrhythmogenic right ventricular dysplasia 11. Last evaluated: 2024-10-04. Review status: criteria provided, single submitter. Criteria: Invitae Variant Classification Sherloc (09022015). Collection method: clinical testing. Allele origin: germline.
Comment: This sequence change replaces threonine, which is neutral and polar, with alanine, which is neutral and non-polar, at codon 558 of the DSC2 protein (p.Thr558Ala). This variant is not present in population databases (gnomAD no frequency). This variant has not been reported in the literature in individuals affected with DSC2-related conditions. Invitae Evidence Modeling of protein sequence and biophysical properties (such as structural, functional, and spatial information, amino acid conservation, physicochemical variation, residue mobility, and thermodynamic stability) indicates that this missense variant is not expected to disrupt DSC2 protein function with a negative predictive value of 80%. In summary, the available evidence is currently insufficient to determine the role of this variant in disease. Therefore, it has been classified as a Variant of Uncertain Significance.

Mayo Clinic Laboratories, Mayo Clinic
Classification: Uncertain significance. Last evaluated: 2024-06-06. Review status: criteria provided, single submitter. Criteria: ACMG Guidelines, 2015. Collection method: clinical testing. Allele origin: germline. Observed: 1 variant allele.
Comment: BP4, PM2